The following is an entry in ClinVar:

NM_002907.4(RECQL):c.92G>A (p.Arg31Lys)

Gene: RECQL (RecQ like helicase; minus strand). Cytogenetic location: 12p12.1.
Variant type: single nucleotide variant.
Coding change: c.92G>A on transcript NM_002907.4 (MANE Select); coding-DNA position 92, G replaced by A.
Protein change: p.Arg31Lys; replaces arginine 31 with lysine.
Molecular consequence: missense variant.
Genome position (GRCh38, 1-based): chr12:21,491,641, C>T on the plus strand (G>A on the coding strand, the complement: RECQL is on the minus strand). VCF-style: chr12-21491641-C-T. GRCh37 (hg19) VCF-style: chr12-21644575-C-T.
Other names: c.92G>A, p.Arg31Lys (NM_032941.3); short protein forms R31K.
Identifiers: ClinVar variation 1312644 (VCV001312644.5), dbSNP rs1943416759, ClinGen allele CA384134585.

ClinVar aggregate classification (germline): Uncertain significance. Review status: criteria provided, multiple submitters, no conflicts (2 of 4 stars). 2 submissions from 2 submitters: Uncertain significance (2). Last evaluated 2025-05-02.

Allele frequency attached by ClinVar (database versions not stated): TOPMed below 0.00001; gnomAD 0.00001.

Submissions (2):

Ambry Genetics
Classification: Uncertain significance. Last evaluated: 2025-05-02. Review status: criteria provided, single submitter. Criteria: Ambry Variant Classification Scheme 2023. Collection method: clinical testing. Allele origin: germline.
Comment: The p.R31K variant (also known as c.92G>A), located in coding exon 2 of the RECQL gene, results from a G to A substitution at nucleotide position 92. The arginine at codon 31 is replaced by lysine, an amino acid with highly similar properties. This amino acid position is conserved. In addition, this alteration is predicted to be tolerated by in silico analysis. Since supporting evidence is limited at this time, the clinical significance of this alteration remains unclear.

GeneDx
Classification: Uncertain significance. Last evaluated: 2020-04-29. Review status: criteria provided, single submitter. Criteria: GeneDx Variant Classification Process June 2021. Collection method: clinical testing. Allele origin: germline. Affected: yes.
Comment: Not observed in large population cohorts (Lek 2016); In silico analysis supports that this missense variant does not alter protein structure/function; Has not been previously published as pathogenic or benign to our knowledge